The following is an entry in ClinVar:

NM_015214.3(DDHD2):c.1154G>A (p.Gly385Glu)

Gene: DDHD2 (DDHD domain containing 2; plus strand). Cytogenetic location: 8p11.23.
Variant type: single nucleotide variant.
Coding change: c.1154G>A on transcript NM_015214.3 (MANE Select); coding-DNA position 1154, G replaced by A.
Protein change: p.Gly385Glu; replaces glycine 385 with glutamic acid.
Molecular consequence: missense variant. On other transcripts: non-coding transcript variant (2).
Genome position (GRCh38, 1-based): chr8:38,247,741, G>A. VCF-style: chr8-38247741-G-A. GRCh37 (hg19) VCF-style: chr8-38105259-G-A.
Other names: c.1154G>A, p.Gly385Glu (NM_001164232.2, NM_001362911.2, NM_001362912.2 and 1 more transcripts); c.1064G>A, p.Gly355Glu (NM_001362913.2); short protein forms G355E, G385E.
Identifiers: ClinVar variation 1336130 (VCV001336130.6), dbSNP rs1805760221, ClinGen allele CA370686410.

ClinVar aggregate classification (germline): Uncertain significance. Review status: criteria provided, multiple submitters, no conflicts (2 of 4 stars). 2 submissions from 2 submitters: Uncertain significance (2). Last evaluated 2022-08-31.

Conditions:
Hereditary spastic paraplegia 54. Also called: Spastic paraplegia 54, autosomal recessive. Identifiers: Orphanet 320380, MedGen C3539495, MONDO:0014018, OMIM 615033.

Allele frequency attached by ClinVar (database versions not stated): gnomAD exomes below 0.00001; TOPMed below 0.00001.
gnomAD v4.1: 4 of 1,547,918 alleles (0.00026%); highest among the groups gnomAD compares: Admixed American, 0.0061%; no homozygotes.

Submissions (2):

Labcorp Genetics (formerly Invitae), Labcorp
Classification: Uncertain significance for Hereditary spastic paraplegia 54. Last evaluated: 2022-08-31. Review status: criteria provided, single submitter. Criteria: Invitae Variant Classification Sherloc (09022015). Collection method: clinical testing. Allele origin: germline.
Comment: In summary, the available evidence is currently insufficient to determine the role of this variant in disease. Therefore, it has been classified as a Variant of Uncertain Significance. Algorithms developed to predict the effect of missense changes on protein structure and function output the following: SIFT: "Tolerated"; PolyPhen-2: "Benign"; Align-GVGD: "Class C0". The glutamic acid amino acid residue is found in multiple mammalian species, which suggests that this missense change does not adversely affect protein function. ClinVar contains an entry for this variant (Variation ID: 1336130). This variant has not been reported in the literature in individuals affected with DDHD2-related conditions. This variant is not present in population databases (gnomAD no frequency). This sequence change replaces glycine, which is neutral and non-polar, with glutamic acid, which is acidic and polar, at codon 385 of the DDHD2 protein (p.Gly385Glu).

Genetic Services Laboratory, University of Chicago
Classification: Uncertain significance. Last evaluated: 2017-07-25. Review status: criteria provided, single submitter. Criteria: ACMG Guidelines, 2015. Collection method: clinical testing. Allele origin: germline. Affected: no.